The following is an entry in ClinVar:

ClinVar aggregate classification (germline): Uncertain significance (1 of 4 stars; one submission).

Submission:

Labcorp Genetics (formerly Invitae), Labcorp
Classification: Uncertain significance. Last evaluated: 2024-05-22. Review status: criteria provided, single submitter. Criteria: Invitae Variant Classification Sherloc (09022015). Collection method: clinical testing. Allele origin: germline.
Comment: This sequence change replaces glutamine, which is neutral and polar, with proline, which is neutral and non-polar, at codon 233 of the SIN3A protein (p.Gln233Pro). This variant is present in population databases (no rsID available, gnomAD 0.003%). This variant has not been reported in the literature in individuals affected with SIN3A-related conditions. An algorithm developed to predict the effect of missense changes on protein structure and function (PolyPhen-2) suggests that this variant is likely to be tolerated. In summary, the available evidence is currently insufficient to determine the role of this variant in disease. Therefore, it has been classified as a Variant of Uncertain Significance.

NM_001145358.2(SIN3A):c.698A>C (p.Gln233Pro)

Gene: SIN3A (SIN3 transcription regulator family member A; minus strand). Cytogenetic location: 15q24.2.
Variant type: single nucleotide variant.
Coding change: c.698A>C on transcript NM_001145358.2 (MANE Select); coding-DNA position 698, A replaced by C.
Protein change: p.Gln233Pro; replaces glutamine 233 with proline.
Molecular consequence: missense variant.
Genome position (GRCh38, 1-based): chr15:75,412,821, T>G on the plus strand (A>C on the coding strand, the complement: SIN3A is on the minus strand). VCF-style: chr15-75412821-T-G. GRCh37 (hg19) VCF-style: chr15-75705162-T-G.
Other names: c.698A>C, p.Gln233Pro (NM_001145357.2, NM_015477.3); short protein forms Q233P.
Identifiers: ClinVar variation 3654246 (VCV003654246.2).